The following is an entry in ClinVar:

NM_017813.5(BPNT2):c.*3704A>G

Gene: BPNT2 (3'(2'), 5'-bisphosphate nucleotidase 2; minus strand). Cytogenetic location: 8q12.1.
Variant type: single nucleotide variant.
Coding change: c.*3704A>G on transcript NM_017813.5 (MANE Select); 3704 bases downstream of the stop codon, A replaced by G.
Molecular consequence: 3 prime UTR variant.
Genome position (GRCh38, 1-based): chr8:56,960,089, T>C on the plus strand (A>G on the coding strand, the complement: BPNT2 is on the minus strand). VCF-style: chr8-56960089-T-C. GRCh37 (hg19) VCF-style: chr8-57872648-T-C.
Identifiers: ClinVar variation 911412 (VCV000911412.4), dbSNP rs114035514, ClinGen allele CA177764488.

ClinVar aggregate classification (germline): Likely benign (1 of 4 stars; one submission).

Conditions:
Chondrodysplasia with joint dislocations, gPAPP type. Also called: GPAPP DEFICIENCY. Identifiers: Orphanet 280586, MedGen C3279757, MONDO:0013561, OMIM 614078.

Allele frequency attached by ClinVar (database versions not stated): gnomAD 0.00188 and 0.00196; TOPMed 0.00190; 1000 Genomes Project 0.00240; 1000 Genomes Project 30x 0.00281.

Submission:

Illumina Laboratory Services, Illumina
Classification: Likely benign for Chondrodysplasia with joint dislocations, gPAPP type. Last evaluated: 2018-01-13. Review status: criteria provided, single submitter. Criteria: ICSL Variant Classification Criteria 13 December 2019. Collection method: clinical testing. Allele origin: germline.
Comment: This variant was observed in the ICSL laboratory as part of a predisposition screen in an ostensibly healthy population. It had not been previously curated by ICSL or reported in the Human Gene Mutation Database (HGMD: prior to June 1st, 2018), and was therefore a candidate for classification through an automated scoring system. Utilizing variant allele frequency, disease prevalence and penetrance estimates, and inheritance mode, an automated score was calculated to assess if this variant is too frequent to cause the disease. Based on the score and internal cut-off values, a variant classified as likely benign is not then subjected to further curation. The score for this variant resulted in a classification of likely benign for this disease.